The following is an entry in ClinVar:

NM_052840.5(CELF6):c.346-13C>T

Gene: CELF6 (CUGBP Elav-like family member 6; minus strand). Cytogenetic location: 15q23.
Variant type: single nucleotide variant.
Coding change: c.346-13C>T on transcript NM_052840.5 (MANE Select); 13 bases into the intron before coding-DNA position 346, C replaced by T.
Molecular consequence: intron variant.
Genome position (GRCh38, 1-based): chr15:72,304,807, G>A on the plus strand (C>T on the coding strand, the complement: CELF6 is on the minus strand). VCF-style: chr15-72304807-G-A. GRCh37 (hg19) VCF-style: chr15-72597148-G-A.
Other names: c.346-13C>T (NM_001172684.2); c.1-13C>T (NM_001172685.2).
Identifiers: ClinVar variation 509107 (VCV000509107.1), dbSNP rs774435160, ClinGen allele CA7644558.
Genomic context (GRCh38, chr15:72,304,807, plus strand): 5'-TCCTCGGCCCTCACTGGCAGCTGGCTTCACTTGGATCGGACGATTCATCTGAAAGACATC[G>A]GACCAACACACCCATTCAGCGTGACTGCCTGGTCCTGGAGCCCCCAGCTTCTCGAACCCT-3'

ClinVar aggregate classification (germline): Likely benign (1 of 4 stars; one submission).

Allele frequency attached by ClinVar (database versions not stated): gnomAD exomes below 0.00001; ExAC 0.00001; gnomAD 0.00002 and 0.00003.

Submission:

GeneDx
Classification: Likely benign. Last evaluated: 2017-04-28. Review status: criteria provided, single submitter. Criteria: GeneDx Variant Classification (06012015). Collection method: clinical testing. Allele origin: germline. Affected: yes.
Comment: This variant is considered likely benign or benign based on one or more of the following criteria: it is a conservative change, it occurs at a poorly conserved position in the protein, it is predicted to be benign by multiple in silico algorithms, and/or has population frequency not consistent with disease.